The following is an entry in ClinVar:

NM_032603.5(LOXL3):c.1417-2A>G

Gene: LOXL3 (lysyl oxidase like 3; minus strand). Cytogenetic location: 2p13.1.
Variant type: single nucleotide variant.
Coding change: c.1417-2A>G on transcript NM_032603.5 (MANE Select); the canonical splice acceptor site of the intron before coding-DNA position 1417, A replaced by G.
Molecular consequence: splice acceptor variant.
Genome position (GRCh38, 1-based): chr2:74,535,456, T>C on the plus strand (A>G on the coding strand, the complement: LOXL3 is on the minus strand). VCF-style: chr2-74535456-T-C. GRCh37 (hg19) VCF-style: chr2-74762583-T-C.
Other names: c.982-2A>G (NM_001289164.3); c.334-2A>G (NM_001289165.2).
Identifiers: ClinVar variation 2971039 (VCV002971039.1), dbSNP rs920027833, ClinGen allele CA50491628.

ClinVar aggregate classification (germline): Uncertain significance (1 of 4 stars; one submission).

Allele frequency attached by ClinVar (database versions not stated): gnomAD exomes below 0.00001; gnomAD 0.00001; TOPMed 0.00001.
gnomAD v4.1: 3 of 1,613,688 alleles (0.00019%); highest among the groups gnomAD compares: African/African-American, 0.0013%; no homozygotes.

Submission:

Labcorp Genetics (formerly Invitae), Labcorp
Classification: Uncertain significance. Last evaluated: 2023-10-23. Review status: criteria provided, single submitter. Criteria: Invitae Variant Classification Sherloc (09022015). Collection method: clinical testing. Allele origin: germline.
Comment: This sequence change affects an acceptor splice site in intron 8 of the LOXL3 gene. It is expected to disrupt RNA splicing. Variants that disrupt the donor or acceptor splice site typically lead to a loss of protein function (PMID: 16199547), however the current clinical and genetic evidence is not sufficient to establish whether loss-of-function variants in LOXL3 cause disease. This variant is not present in population databases (gnomAD no frequency). This variant has not been reported in the literature in individuals affected with LOXL3-related conditions. Algorithms developed to predict the effect of sequence changes on RNA splicing suggest that this variant may disrupt the consensus splice site. In summary, the available evidence is currently insufficient to determine the role of this variant in disease. Therefore, it has been classified as a Variant of Uncertain Significance.

Literature cited by the submitters: PubMed 16199547.